The following is an entry in ClinVar:

NM_001271049.2(CFAP221):c.1587G>A (p.Ser529=)

Gene: CFAP221 (cilia and flagella associated protein 221; plus strand). Cytogenetic location: 2q14.2.
Variant type: single nucleotide variant.
Coding change: c.1587G>A on transcript NM_001271049.2 (MANE Select); coding-DNA position 1587, G replaced by A.
Protein change: p.Ser529=; no amino-acid change (serine 529 retained).
Molecular consequence: synonymous variant. On other transcripts: non-coding transcript variant (2).
Genome position (GRCh38, 1-based): chr2:119,627,723, G>A. VCF-style: chr2-119627723-G-A. GRCh37 (hg19) VCF-style: chr2-120385299-G-A.
Identifiers: ClinVar variation 4084038 (VCV004084038.8).

ClinVar aggregate classification (germline): Likely benign (1 of 4 stars; one submission).

gnomAD v4.1: 270 of 1,613,592 alleles (0.017%); highest among the groups gnomAD compares: East Asian, 0.022%; no homozygotes.

Submission:

CeGaT Center for Human Genetics Tuebingen
Classification: Likely benign. Last evaluated: 2025-08-01. Review status: criteria provided, single submitter. Criteria: CeGaT Center For Human Genetics Tuebingen Variant Classification Criteria Version 2. Collection method: clinical testing. Allele origin: germline. Affected: yes. Observed: 1 variant allele.
Comment: CFAP221: BP4, BP7